The following is an entry in ClinVar:

ClinVar aggregate classification (germline): Pathogenic. Review status: criteria provided, multiple submitters, no conflicts (2 of 4 stars). 7 submissions from 7 submitters: Pathogenic (6). 1 of the submissions does not count toward it. Last evaluated 2025-10-21.

Conditions:
Tuberous sclerosis syndrome (TSC). Also called: Tuberous Sclerosis Complex; Tuberous sclerosis. Identifiers: Orphanet 805, MedGen C0041341, MONDO:0001734.
Tuberous sclerosis 2 (TSC2). Identifiers: Orphanet 805, MedGen C1860707, MONDO:0013199, OMIM 613254.
Lymphangiomyomatosis (LAM). Also called: Lymphangioleiomyomatosis; Lymphangioleiomyomatosis, somatic. Identifiers: Orphanet 538, MedGen C0751674, MONDO:0011705, OMIM 606690.
Isolated focal cortical dysplasia type II (FCORD2). Also called: CORTICAL DYSPLASIA OF TAYLOR; Focal cortical dysplasia type II. Identifiers: Orphanet 268994, MedGen C1846385, MONDO:0011818, OMIM 607341, HP:0032051.
Tuberous sclerosis 1 (TSC1). Identifiers: Orphanet 805, MedGen C1854465, MONDO:0008612, OMIM 191100.

Submissions (7):

NHS Central & South Genomic Laboratory Hub
Classification: Pathogenic for Tuberous sclerosis. Last evaluated: 2025-10-21. Review status: criteria provided, single submitter. Criteria: ACMG Guidelines, 2015. Collection method: clinical testing. Allele origin: germline. Affected: yes.

Labcorp Genetics (formerly Invitae), Labcorp
Classification: Pathogenic for Tuberous sclerosis 2. Last evaluated: 2024-05-15. Review status: criteria provided, single submitter. Criteria: Invitae Variant Classification Sherloc (09022015). Collection method: clinical testing. Allele origin: germline.
Comment: This sequence change creates a premature translational stop signal (p.Gln1395*) in the TSC2 gene. It is expected to result in an absent or disrupted protein product. Loss-of-function variants in TSC2 are known to be pathogenic (PMID: 10205261, 17304050). This variant is not present in population databases (gnomAD no frequency). This premature translational stop signal has been observed in individual(s) with tuberous sclerosis complex (PMID: 27859028; Invitae). In at least one individual the variant was observed to be de novo. ClinVar contains an entry for this variant (Variation ID: 280596). For these reasons, this variant has been classified as Pathogenic.

GeneDx
Classification: Pathogenic. Last evaluated: 2023-04-27. Review status: criteria provided, single submitter. Criteria: GeneDx Variant Classification Process June 2021. Collection method: clinical testing. Allele origin: germline. Affected: yes.
Comment: Nonsense variant predicted to result in protein truncation or nonsense mediated decay in a gene for which loss of function is a known mechanism of disease; Not observed at significant frequency in large population cohorts (gnomAD); This variant is associated with the following publications: (PMID: 27859028, 32211034, 33278787, 33834466, 35253369, 17304050, 10205261)

MGZ Medical Genetics Center
Classification: Pathogenic for Tuberous sclerosis 1. Last evaluated: 2022-05-27. Review status: criteria provided, single submitter. Criteria: ACMG Guidelines, 2015. Collection method: clinical testing. Allele origin: germline. Affected: yes. Observed: 1 variant allele.
Comment: ACMG criteria applied: PVS1, PS4_MOD, PM2_SUP

Genome-Nilou Lab
Classification: Pathogenic for Tuberous sclerosis 2. Last evaluated: 2021-11-07. Review status: criteria provided, single submitter. Criteria: ACMG Guidelines, 2015. Collection method: clinical testing. Allele origin: germline. Affected: no.

Juno Genomics, Hangzhou Juno Genomics, Inc
Classification: Pathogenic for Isolated focal cortical dysplasia type II; Lymphangiomyomatosis; Tuberous sclerosis 2. Review status: criteria provided, single submitter. Criteria: ACMG Guidelines, 2015. Collection method: clinical testing. Allele origin: germline. Affected: yes.
Comment: Absent from controls (or at extremely low frequency if recessive) in Genome Aggregation Database.;Null variant in a gene where loss of function (LOF) is a known mechanism of disease.;The prevalence of the variant in affected individuals is significantly increased compared to the prevalence in controls.;De novo (both maternity and paternity confirmed) in a patient with the disease and no family history.

Division of Genomic Medicine, Department of Advanced Medicine, Medical Research Institute, Kanazawa Medical University
Classification: Pathogenic for Tuberous sclerosis 2. Last evaluated: 2020-06-11. Review status: no assertion criteria provided. Collection method: clinical testing. Allele origin: germline. Affected: yes. Observed: 1 variant allele. Not counted in ClinVar's aggregate classification.

Literature cited by the submitters: PubMed 10205261 (cited by Labcorp Genetics (formerly Invitae), Labcorp); PubMed 17304050 (cited by Labcorp Genetics (formerly Invitae), Labcorp); PubMed 27859028 (cited by Labcorp Genetics (formerly Invitae), Labcorp).

NM_000548.5(TSC2):c.4183C>T (p.Gln1395Ter)

Gene: TSC2 (TSC complex subunit 2; plus strand). Cytogenetic location: 16p13.3.
Variant type: single nucleotide variant.
Coding change: c.4183C>T on transcript NM_000548.5 (MANE Select); coding-DNA position 4183, C replaced by T.
Protein change: p.Gln1395Ter; replaces glutamine 1395 with a stop codon.
Molecular consequence: nonsense.
Genome position (GRCh38, 1-based): chr16:2,084,405, C>T. VCF-style: chr16-2084405-C-T. GRCh37 (hg19) VCF-style: chr16-2134406-C-T.
Other names: c.3982C>T, p.Gln1328Ter (NM_001077183.3); c.4114C>T, p.Gln1372Ter (NM_001114382.3); c.3874C>T, p.Gln1292Ter (NM_001318827.2); c.3838C>T, p.Gln1280Ter (NM_001318829.2); c.3451C>T, p.Gln1151Ter (NM_001318831.2); c.4015C>T, p.Gln1339Ter (NM_001318832.2); c.3985C>T, p.Gln1329Ter (NM_001363528.2); c.4051C>T, p.Gln1351Ter (NM_001370404.1); and 1 more; short protein forms Q1395*, Q1280*, Q1372*, Q1151*, Q1339*, Q1292*, Q1351*, Q1352*.
Identifiers: ClinVar variation 280596 (VCV000280596.20), dbSNP rs886041772, ClinGen allele CA10603365.